The following is an entry in ClinVar:

NM_001379210.1(SLC25A26):c.377A>C (p.Gln126Pro)

Gene: SLC25A26 (solute carrier family 25 member 26; plus strand). Cytogenetic location: 3p14.1.
Variant type: single nucleotide variant.
Coding change: c.377A>C on transcript NM_001379210.1 (MANE Select); coding-DNA position 377, A replaced by C.
Protein change: p.Gln126Pro; replaces glutamine 126 with proline.
Molecular consequence: missense variant. On other transcripts: non-coding transcript variant (15).
Genome position (GRCh38, 1-based): chr3:66,262,127, A>C. VCF-style: chr3-66262127-A-C. GRCh37 (hg19) VCF-style: chr3-66312551-A-C.
Other names: c.377A>C, p.Gln126Pro (NM_001009937.1, NM_001400705.1, NM_001400707.1 and 1 more transcripts); c.113A>C, p.Gln38Pro (NM_001164796.1, NM_001350993.1, NM_001400709.1 and 2 more transcripts); short protein forms Q38P, Q126P.
Identifiers: ClinVar variation 2018181 (VCV002018181.4), dbSNP rs780816066, ClinGen allele CA353546627.
Genomic context (GRCh38, chr3:66,262,127, plus strand): 5'-GAGTTCCATCTGAAGTGGTTAAGCAGAGGGCACAGGTATCTGCTTCTACAAGAACATTTC[A>C]GATTTTCTCTAACATCTTATATGAAGAGGTGAGATGGGTTTTTTAAGCTCTTCTTTTCTT-3'
Protein context (NP_001366139.1, residues 116-136): AQVSASTRTF[Gln126Pro]IFSNILYEEG

ClinVar aggregate classification (germline): Uncertain significance (1 of 4 stars; one submission).

Submission:

Labcorp Genetics (formerly Invitae), Labcorp
Classification: Uncertain significance. Last evaluated: 2022-07-19. Review status: criteria provided, single submitter. Criteria: Invitae Variant Classification Sherloc (09022015). Collection method: clinical testing. Allele origin: germline.
Comment: In summary, the available evidence is currently insufficient to determine the role of this variant in disease. Therefore, it has been classified as a Variant of Uncertain Significance. Algorithms developed to predict the effect of missense changes on protein structure and function (SIFT, PolyPhen-2, Align-GVGD) all suggest that this variant is likely to be tolerated. This variant has not been reported in the literature in individuals affected with SLC25A26-related conditions. This variant is not present in population databases (gnomAD no frequency). This sequence change replaces glutamine, which is neutral and polar, with proline, which is neutral and non-polar, at codon 38 of the SLC25A26 protein (p.Gln38Pro).